The following is an entry in ClinVar:

NM_003238.6(TGFB2):c.1244A>T (p.Ter415Leu)

Gene: TGFB2 (transforming growth factor beta 2; plus strand). Cytogenetic location: 1q41.
Variant type: single nucleotide variant.
Coding change: c.1244A>T on transcript NM_003238.6 (MANE Select); coding-DNA position 1244, A replaced by T.
Protein change: p.Ter415Leu.
Molecular consequence: stop lost. On other transcripts: non-coding transcript variant (2).
Genome position (GRCh38, 1-based): chr1:218,441,361, A>T. VCF-style: chr1-218441361-A-T. GRCh37 (hg19) VCF-style: chr1-218614703-A-T.
Other names: c.1328A>T, p.Ter443Leu (NM_001135599.4).
Identifiers: ClinVar variation 2826161 (VCV002826161.3), dbSNP rs1660145049, ClinGen allele CA344728109.

ClinVar aggregate classification (germline): Uncertain significance (1 of 4 stars; one submission).

Conditions:
Loeys-Dietz syndrome 4 (LDS4). Also called: ANEURYSM, AORTIC AND CEREBRAL, WITH ARTERIAL TORTUOSITY AND SKELETAL MANIFESTATIONS; TGFB2-Related Loeys-Dietz Syndrome. Identifiers: MedGen C3553762, MONDO:0013897, OMIM 614816.

Submission:

Labcorp Genetics (formerly Invitae), Labcorp
Classification: Uncertain significance for Loeys-Dietz syndrome 4. Last evaluated: 2023-01-28. Review status: criteria provided, single submitter. Criteria: Invitae Variant Classification Sherloc (09022015). Collection method: clinical testing. Allele origin: germline.
Comment: This variant is not present in population databases (gnomAD no frequency). This sequence change disrupts the translational stop signal of the TGFB2 mRNA. It is expected to extend the length of the TGFB2 protein by 39 additional amino acid residues. This variant has not been reported in the literature in individuals affected with TGFB2-related conditions. In summary, the available evidence is currently insufficient to determine the role of this variant in disease. Therefore, it has been classified as a Variant of Uncertain Significance.